The following is an entry in ClinVar:

NM_004369.4(COL6A3):c.5480del (p.Gly1827fs)

Gene: COL6A3 (collagen type VI alpha 3 chain; minus strand). Cytogenetic location: 2q37.3.
Variant type: Deletion.
Coding change: c.5480del on transcript NM_004369.4 (MANE Select); coding-DNA position 5480, one base deleted (G; older notation c.5480delG).
Protein change: p.Gly1827fs; shifts the reading frame from glycine 1827.
Molecular consequence: frameshift variant.
Genome position (GRCh38, 1-based): chr2:237,366,707, C deleted on the plus strand (G on the coding strand, the reverse complement: COL6A3 is on the minus strand); the first of 2 consecutive C bases (chr2:237,366,707-237,366,708); deleting either gives the same sequence. VCF-style (leftmost placement, unchanged base first): chr2-237366706-AC-A. GRCh37 (hg19) VCF-style: chr2-238275349-AC-A.
Other names: c.5480delG (NM_004369.3); c.3659del, p.Gly1220fs (NM_057166.5); c.4862del, p.Gly1621fs (NM_057167.4); c.5480del (NM_004369.3); short protein forms G1220fs, G1621fs, G1827fs.
Identifiers: ClinVar variation 419143 (VCV000419143.17), dbSNP rs777304794, ClinGen allele CA2188663.
Genomic context (GRCh38, chr2:237,366,706, plus strand): 5'-CAACAGGAAAGGATGGAAAATATGCACATAATGGGAGTTACCTTTGGCAGCATCAGTTAC[AC>A]CAGGGCAAAGGGTTTCATGCATCGCATCATGCAAAGTTTCCAAAACTTGCTCGCTCAGTT-3'

ClinVar aggregate classification (germline): Pathogenic. Review status: criteria provided, multiple submitters, no conflicts (2 of 4 stars). 3 submissions from 3 submitters: Pathogenic (3). Last evaluated 2025-11-29.

Conditions:
COL6A3-related disorder. Also called: COL6A3-related disorders; COL6A3-related condition.
Bethlem myopathy 1A. Also called: Bethlem myopathy 1; MYOPATHY, BENIGN CONGENITAL, WITH CONTRACTURES; Bethlem Muscular Dystrophy. Identifiers: Orphanet 610, MedGen CN029274, MONDO:0024530, OMIM 158810.

Submissions (3):

GeneDx
Classification: Pathogenic. Last evaluated: 2025-11-29. Review status: criteria provided, single submitter. Criteria: GeneDx Variant Classification Process June 2021. Collection method: clinical testing. Allele origin: germline. Affected: yes.
Comment: Frameshift variant predicted to result in protein truncation or nonsense mediated decay in a gene for which loss of function is a known mechanism of disease; Not observed at significant frequency in large population cohorts (gnomAD); This variant is associated with the following publications: (PMID: 26247046)

Labcorp Genetics (formerly Invitae), Labcorp
Classification: Pathogenic for Bethlem myopathy 1A. Last evaluated: 2025-10-31. Review status: criteria provided, single submitter. Criteria: Invitae Variant Classification Sherloc (09022015). Collection method: clinical testing. Allele origin: germline.
Comment: This sequence change creates a premature translational stop signal (p.Gly1827Valfs*2) in the COL6A3 gene. It is expected to result in an absent or disrupted protein product. Loss-of-function variants in COL6A3 are known to be pathogenic (PMID: 26004199). This variant is not present in population databases (gnomAD no frequency). This premature translational stop signal has been observed in individual(s) with congenital myopathy (PMID: 26247046). ClinVar contains an entry for this variant (Variation ID: 419143). For these reasons, this variant has been classified as Pathogenic.

PreventionGenetics, part of Exact Sciences
Classification: Pathogenic for COL6A3-related condition. Last evaluated: 2025-02-12. Review status: criteria provided, single submitter. Criteria: ACMG Guidelines, 2015. Collection method: clinical testing. Allele origin: germline.
Comment: The COL6A3 c.5480delG variant is predicted to result in a frameshift and premature protein termination (p.Gly1827Valfs*2). This variant was reported in the compound heterozygous state in an individual with Bethlem myopathy (Hunter et al 2015. PubMed ID: 26247046). This variant is reported in 0.00088% of alleles in individuals of European (Non-Finnish) descent in gnomAD. Frameshift variants in COL6A3 are expected to be pathogenic. This variant is interpreted as pathogenic for autosomal recessive COL6A3-related disorders.

Literature cited by the submitters: PubMed 26004199 (cited by Labcorp Genetics (formerly Invitae), Labcorp); PubMed 26247046 (cited by Labcorp Genetics (formerly Invitae), Labcorp).